The following is an entry in ClinVar:

ClinVar aggregate classification (germline): Uncertain significance. Review status: criteria provided, multiple submitters, no conflicts (2 of 4 stars). 2 submissions from 2 submitters: Uncertain significance (2). Last evaluated 2025-06-17.

Conditions:
Cardiovascular phenotype. Identifiers: MedGen CN230736.
Cardiomyopathy (CMYO). Also called: Cardiomyopathies. Identifiers: Orphanet 167848, MedGen C0878544, MONDO:0004994, HP:0001638. Inheritance: Various modes of inheritance.

Allele frequency attached by ClinVar (database versions not stated): gnomAD exomes below 0.00001; TOPMed below 0.00001.
gnomAD v4.1: 2 of 1,614,238 alleles (0.00012%); highest among the groups gnomAD compares: East Asian, 0.0022%; no homozygotes.

Submissions (2):

Color Diagnostics, LLC DBA Color Health
Classification: Uncertain significance for Cardiomyopathy. Last evaluated: 2025-06-17. Review status: criteria provided, single submitter. Criteria: ACMG Guidelines, 2015. Collection method: clinical testing. Allele origin: germline.
Comment: This missense variant replaces serine with glycine at codon 1674 of the DSP protein. Computational prediction suggests that this variant may not impact protein structure and function. To our knowledge, functional studies have not been reported for this variant. This variant has not been reported in individuals affected with DSP-related disorders in the literature. This variant has not been identified in the general population by the Genome Aggregation Database (gnomAD). The available evidence is insufficient to determine the role of this variant in disease conclusively. Therefore, this variant is classified as a Variant of Uncertain Significance.

Ambry Genetics
Classification: Uncertain significance for Cardiovascular phenotype. Last evaluated: 2022-02-10. Review status: criteria provided, single submitter. Criteria: Ambry Variant Classification Scheme 2023. Collection method: clinical testing. Allele origin: germline.
Comment: The p.S1674G variant (also known as c.5020A>G), located in coding exon 23 of the DSP gene, results from an A to G substitution at nucleotide position 5020. The serine at codon 1674 is replaced by glycine, an amino acid with similar properties. This amino acid position is conserved. In addition, this alteration is predicted to be tolerated by in silico analysis. Since supporting evidence is limited at this time, the clinical significance of this alteration remains unclear.

NM_004415.4(DSP):c.5020A>G (p.Ser1674Gly)

Gene: DSP (desmoplakin; plus strand). Cytogenetic location: 6p24.3.
Variant type: single nucleotide variant.
Coding change: c.5020A>G on transcript NM_004415.4 (MANE Select); coding-DNA position 5020, A replaced by G.
Protein change: p.Ser1674Gly; replaces serine 1674 with glycine.
Molecular consequence: missense variant. On other transcripts: intron variant (2).
Genome position (GRCh38, 1-based): chr6:7,581,210, A>G. VCF-style: chr6-7581210-A-G. GRCh37 (hg19) VCF-style: chr6-7581443-A-G.
Other names: c.4050+970A>G (NM_001319034.2); c.3583-1432A>G (NM_001008844.3); short protein forms S1674G.
Identifiers: ClinVar variation 1744838 (VCV001744838.3), dbSNP rs891682254, ClinGen allele CA133970654.